The following is an entry in ClinVar:

ClinVar aggregate classification (germline): Benign. Review status: criteria provided, multiple submitters, no conflicts (2 of 4 stars). 3 submissions from 3 submitters: Benign (3). Last evaluated 2023-11-12.

Allele frequency attached by ClinVar (database versions not stated): 1000 Genomes Project 0.07628; 1000 Genomes Project 30x 0.07886; TOPMed 0.09610; gnomAD 0.09629 and 0.09791; gnomAD exomes 0.10084.
gnomAD v4.1: 140,238 of 1,393,500 alleles (10%); highest among the groups gnomAD compares: Non-Finnish European, 11%; 7,646 homozygotes.

Submissions (3):

Unidad de Genómica Garrahan, Hospital de Pediatría Garrahan
Classification: Benign. Last evaluated: 2023-11-12. Review status: criteria provided, single submitter. Criteria: ACMG Guidelines, 2015. Collection method: clinical testing. Allele origin: germline. Affected: no. Observed: 19 variant alleles.
Comment: This variant is classified as Benign based on local population frequency. This variant was detected in 20% of patients studied by a panel of primary immunodeficiencies. Number of patients: 19. Only high quality variants are reported.

GeneDx
Classification: Benign. Last evaluated: 2021-05-14. Review status: criteria provided, single submitter. Criteria: GeneDx Variant Classification Process June 2021. Collection method: clinical testing. Allele origin: germline. Affected: yes.

Breakthrough Genomics
Classification: Benign. Review status: criteria provided, single submitter. Criteria: ACMG Guidelines, 2015. Collection method: not provided. Allele origin: germline. Inheritance: Autosomal dominant inheritance. Affected: yes.

NM_002661.5(PLCG2):c.194-72G>C

Gene: PLCG2 (phospholipase C gamma 2; plus strand). Cytogenetic location: 16q23.3.
Variant type: single nucleotide variant.
Coding change: c.194-72G>C on transcript NM_002661.5 (MANE Select); 72 bases into the intron before coding-DNA position 194, G replaced by C.
Molecular consequence: intron variant.
Genome position (GRCh38, 1-based): chr16:81,854,372, G>C. VCF-style: chr16-81854372-G-C. GRCh37 (hg19) VCF-style: chr16-81887977-G-C.
Identifiers: ClinVar variation 1182179 (VCV001182179.5), dbSNP rs34028338, ClinGen allele CA14318959.